The following is an entry in ClinVar:

NC_000018.9:g.(?_21148777)_(21153548_?)dup

Gene: NPC1 (NPC intracellular cholesterol transporter 1; minus strand). Cytogenetic location: 18q11.2.
Variant type: Duplication.
Identifiers: ClinVar variation 3242768 (VCV003242768.1).

ClinVar aggregate classification (germline): Likely pathogenic (1 of 4 stars; one submission).

Conditions:
Niemann-Pick disease, type C1. Also called: NEUROVISCERAL STORAGE DISEASE WITH VERTICAL SUPRANUCLEAR OPHTHALMOPLEGIA; NIEMANN-PICK DISEASE WITH CHOLESTEROL ESTERIFICATION BLOCK; NIEMANN-PICK DISEASE WITHOUT SPHINGOMYELINASE DEFICIENCY; NIEMANN-PICK DISEASE, CHRONIC NEURONOPATHIC FORM; NIEMANN-PICK DISEASE, VARIANT TYPE C1. Identifiers: Orphanet 646, MedGen C3179455, MONDO:0009757, OMIM 257220.

Submission:

Labcorp Genetics (formerly Invitae), Labcorp
Classification: Likely pathogenic for Niemann-Pick disease, type C1. Last evaluated: 2022-09-28. Review status: criteria provided, single submitter. Criteria: Invitae Variant Classification Sherloc (09022015). Collection method: clinical testing. Allele origin: unknown.
Comment: In summary, the currently available evidence indicates that the variant is pathogenic, but additional data are needed to prove that conclusively. Therefore, this variant has been classified as Likely Pathogenic. This variant has not been reported in the literature in individuals affected with NPC1-related conditions. This variant results in a copy number gain of the genomic region encompassing exon(s) 2-4 of the NPC1 gene. While the exact position of this variant cannot be determined from the data, sub-genic copy number gains are generally in tandem (PMID: 25640679). This variant is predicted to be out-of-frame, and may result in an absent or disrupted protein product. Loss-of-function variants in NPC1 are known to be pathogenic (PMID: 9211850).

Literature cited by the submitters: PubMed 25640679; PubMed 9211850.